The following is an entry in ClinVar:

ClinVar aggregate classification (germline): Uncertain significance (1 of 4 stars; one submission).

Submission:

Labcorp Genetics (formerly Invitae), Labcorp
Classification: Uncertain significance. Last evaluated: 2025-11-04. Review status: criteria provided, single submitter. Criteria: Invitae Variant Classification Sherloc (09022015). Collection method: clinical testing. Allele origin: germline.
Comment: This sequence change replaces serine, which is neutral and polar, with leucine, which is neutral and non-polar, at codon 599 of the RFWD3 protein (p.Ser599Leu). This variant is not present in population databases (gnomAD no frequency). This variant has not been reported in the literature in individuals affected with RFWD3-related conditions. ClinVar contains an entry for this variant (Variation ID: 3667811). An algorithm developed to predict the effect of missense changes on protein structure and function (PolyPhen-2) suggests that this variant is likely to be tolerated. In summary, the available evidence is currently insufficient to determine the role of this variant in disease. Therefore, it has been classified as a Variant of Uncertain Significance.

NM_018124.4(RFWD3):c.1796C>T (p.Ser599Leu)

Gene: RFWD3 (ring finger and WD repeat domain 3; minus strand). Cytogenetic location: 16q23.1.
Variant type: single nucleotide variant.
Coding change: c.1796C>T on transcript NM_018124.4 (MANE Select); coding-DNA position 1796, C replaced by T.
Protein change: p.Ser599Leu; replaces serine 599 with leucine.
Molecular consequence: missense variant.
Genome position (GRCh38, 1-based): chr16:74,628,625, G>A on the plus strand (C>T on the coding strand, the complement: RFWD3 is on the minus strand). VCF-style: chr16-74628625-G-A. GRCh37 (hg19) VCF-style: chr16-74662523-G-A.
Other names: c.1796C>T, p.Ser599Leu (NM_001370534.1, NM_001370535.1); c.1619C>T, p.Ser540Leu (NM_001370536.1); c.962C>T, p.Ser321Leu (NM_001370537.1, NM_001370539.1, NM_001370540.1 and 2 more transcripts); short protein forms S599L, S540L, S321L.
Identifiers: ClinVar variation 3667811 (VCV003667811.2).